The following is an entry in ClinVar:

NM_001023570.4(IQCB1):c.1516C>A (p.His506Asn)

Gene: IQCB1 (IQ motif containing B1; minus strand). Cytogenetic location: 3q13.33.
Variant type: single nucleotide variant.
Coding change: c.1516C>A on transcript NM_001023570.4 (MANE Select); coding-DNA position 1516, C replaced by A.
Protein change: p.His506Asn; replaces histidine 506 with asparagine.
Molecular consequence: missense variant. On other transcripts: non-coding transcript variant (1).
Genome position (GRCh38, 1-based): chr3:121,772,608, G>T on the plus strand (C>A on the coding strand, the complement: IQCB1 is on the minus strand). VCF-style: chr3-121772608-G-T. GRCh37 (hg19) VCF-style: chr3-121491455-G-T.
Other names: c.1117C>A, p.His373Asn (NM_001023571.4); c.1516C>A, p.His506Asn (NM_001319107.2); short protein forms H373N, H506N.
Identifiers: ClinVar variation 1484893 (VCV001484893.8), dbSNP rs2108507224, ClinGen allele CA354109883.

ClinVar aggregate classification (germline): Uncertain significance (1 of 4 stars; one submission).

Conditions:
Nephronophthisis. Also called: Juvenile Nephronophthisis. Identifiers: Orphanet 655, MedGen C0687120, MONDO:0019005, HP:0000090.

Submission:

Labcorp Genetics (formerly Invitae), Labcorp
Classification: Uncertain significance for Nephronophthisis. Last evaluated: 2023-10-03. Review status: criteria provided, single submitter. Criteria: Invitae Variant Classification Sherloc (09022015). Collection method: clinical testing. Allele origin: germline.
Comment: This sequence change replaces histidine, which is basic and polar, with asparagine, which is neutral and polar, at codon 506 of the IQCB1 protein (p.His506Asn). This variant is not present in population databases (gnomAD no frequency). This variant has not been reported in the literature in individuals affected with IQCB1-related conditions. ClinVar contains an entry for this variant (Variation ID: 1484893). Advanced modeling of protein sequence and biophysical properties (such as structural, functional, and spatial information, amino acid conservation, physicochemical variation, residue mobility, and thermodynamic stability) performed at Invitae indicates that this missense variant is not expected to disrupt IQCB1 protein function. In summary, the available evidence is currently insufficient to determine the role of this variant in disease. Therefore, it has been classified as a Variant of Uncertain Significance.